The following is an entry in ClinVar:

ClinVar aggregate classification (germline): Pathogenic (1 of 4 stars; one submission).

Submission:

Lupski Lab, Baylor-Hopkins CMG, Baylor College of Medicine
Classification: Pathogenic. Last evaluated: 2016-04-26. Review status: criteria provided, single submitter. Criteria: Harel et al. (Am J Hum Genet 2016). Collection method: research. Allele origin: germline. Inheritance: Autosomal recessive inheritance. Affected: yes. Observed: 1 compound heterozygote.

Single allele

Genes: ATAD3C (ATPase family AAA domain containing 3C; plus strand), ATAD3A (ATPase family AAA domain containing 3A; plus strand), ATAD3B (ATPase family AAA domain containing 3B; plus strand). Cytogenetic location: 1p36.33.
Variant type: Deletion.
Identifiers: ClinVar variation 225699 (VCV000225699.1).